The following is an entry in ClinVar:

ClinVar aggregate classification (germline): Uncertain significance (1 of 4 stars; one submission).

Submission:

GeneDx
Classification: Uncertain significance. Last evaluated: 2024-02-07. Review status: criteria provided, single submitter. Criteria: GeneDx Variant Classification Process June 2021. Collection method: clinical testing. Allele origin: germline. Affected: yes.
Comment: Not observed at significant frequency in large population cohorts (gnomAD); In silico analysis supports that this missense variant has a deleterious effect on protein structure/function; Has not been previously published as pathogenic or benign to our knowledge

NM_020806.5(GPHN):c.1547G>C (p.Gly516Ala)

Gene: GPHN (gephyrin; plus strand). Cytogenetic location: 14q23.3.
Variant type: single nucleotide variant.
Coding change: c.1547G>C on transcript NM_020806.5 (MANE Select); coding-DNA position 1547, G replaced by C.
Protein change: p.Gly516Ala; replaces glycine 516 with alanine.
Molecular consequence: missense variant.
Genome position (GRCh38, 1-based): chr14:67,113,092, G>C. VCF-style: chr14-67113092-G-C. GRCh37 (hg19) VCF-style: chr14-67579809-G-C.
Other names: c.1448G>C, p.Gly483Ala (NM_001024218.2); c.1607G>C, p.Gly536Ala (NM_001377514.1); c.1577G>C, p.Gly526Ala (NM_001377515.1); c.1568G>C, p.Gly523Ala (NM_001377516.1); c.1520G>C, p.Gly507Ala (NM_001377517.1); c.1505G>C, p.Gly502Ala (NM_001377518.1); c.1487G>C, p.Gly496Ala (NM_001377519.1); short protein forms G483A, G496A, G502A, G507A, G516A, G523A, G526A, G536A.
Identifiers: ClinVar variation 3369011 (VCV003369011.1).
Genomic context (GRCh38, chr14:67,113,092, plus strand): 5'-ACATTAAAAGAGGGGAATGTGTTTTGGCCAAAGGAACCCACATGGGCCCCTCAGAGATTG[G>C]TCTTCTGGCAACTGTAGGTGTCACAGAGGTTGAAGTTAATAAGTTTCCAGTGGTTGCAGT-3'
Protein context (NP_065857.1, residues 506-526): KGTHMGPSEI[Gly516Ala]LLATVGVTEV